The following is an entry in ClinVar:

NM_001080508.3(TBX18):c.772-4A>G

Gene: TBX18 (T-box transcription factor 18; minus strand). Cytogenetic location: 6q14.3.
Variant type: single nucleotide variant.
Coding change: c.772-4A>G on transcript NM_001080508.3 (MANE Select); 4 bases into the intron before coding-DNA position 772, A replaced by G.
Molecular consequence: intron variant.
Genome position (GRCh38, 1-based): chr6:84,748,091, T>C on the plus strand (A>G on the coding strand, the complement: TBX18 is on the minus strand). VCF-style: chr6-84748091-T-C. GRCh37 (hg19) VCF-style: chr6-85457809-T-C.
Other names: c.772-4A>G (NM_001080508.2).
Identifiers: ClinVar variation 2730131 (VCV002730131.5), dbSNP rs201539210, ClinGen allele CA3911006.

ClinVar aggregate classification (germline): Likely benign. Review status: criteria provided, single submitter (1 of 4 stars). 2 submissions from 2 submitters: Likely benign (1). 1 of the submissions does not count toward it. Last evaluated 2025-07-29.

Conditions:
TBX18-related disorder. Also called: TBX18-related condition.

Allele frequency attached by ClinVar (database versions not stated): ExAC 0.00039; gnomAD exomes 0.00068; gnomAD 0.00036; ESP Exome Variant Server 0.00023; TOPMed 0.00031; 1000 Genomes Project 30x 0.00016; 1000 Genomes Project 0.00020.
gnomAD v4.1: 1,041 of 1,590,484 alleles (0.065%); highest among the groups gnomAD compares: Non-Finnish European, 0.084%; 1 homozygote.

Submissions (2):

Labcorp Genetics (formerly Invitae), Labcorp
Classification: Likely benign. Last evaluated: 2025-07-29. Review status: criteria provided, single submitter. Criteria: Invitae Variant Classification Sherloc (09022015). Collection method: clinical testing. Allele origin: germline.

PreventionGenetics, part of Exact Sciences
Classification: Likely benign for TBX18-related condition. Last evaluated: 2019-03-15. Review status: no assertion criteria provided. Collection method: clinical testing. Allele origin: germline. Not counted in ClinVar's aggregate classification.
Comment: This variant is classified as likely benign based on ACMG/AMP sequence variant interpretation guidelines (Richards et al. 2015 PMID: 25741868, with internal and published modifications).